The following is an entry in ClinVar:

NM_001367624.2(ZNF469):c.6892C>G (p.Gln2298Glu)

Gene: ZNF469 (zinc finger protein 469; plus strand). Cytogenetic location: 16q24.2.
Variant type: single nucleotide variant.
Coding change: c.6892C>G on transcript NM_001367624.2 (MANE Select); coding-DNA position 6892, C replaced by G.
Protein change: p.Gln2298Glu; replaces glutamine 2298 with glutamic acid.
Molecular consequence: missense variant.
Genome position (GRCh38, 1-based): chr16:88,434,362, C>G. VCF-style: chr16-88434362-C-G. GRCh37 (hg19) VCF-style: chr16-88500770-C-G.
Other names: NM_001127464.1:c.6808C>G; short protein forms Q2298E.
Identifiers: ClinVar variation 3232846 (VCV003232846.1), dbSNP rs1451442305, ClinGen allele CA397107567.

ClinVar aggregate classification (germline): Uncertain significance (1 of 4 stars; one submission).

Conditions:
Cardiovascular phenotype. Identifiers: MedGen CN230736.

Submission:

Ambry Genetics
Classification: Uncertain significance for Cardiovascular phenotype. Last evaluated: 2023-12-12. Review status: criteria provided, single submitter. Criteria: Ambry Variant Classification Scheme 2023. Collection method: clinical testing. Allele origin: germline.
Comment: The p.Q2270E variant (also known as c.6808C>G), located in coding exon 2 of the ZNF469 gene, results from a C to G substitution at nucleotide position 6808. The glutamine at codon 2270 is replaced by glutamic acid, an amino acid with highly similar properties. This amino acid position is conserved. In addition, this alteration is predicted to be tolerated by in silico analysis. Since supporting evidence is limited at this time, the clinical significance of this alteration remains unclear.